The following is an entry in ClinVar:

NM_000760.4(CSF3R):c.1633C>A (p.Leu545Met)

Gene: CSF3R (colony stimulating factor 3 receptor; minus strand). Cytogenetic location: 1p34.3.
Variant type: single nucleotide variant.
Coding change: c.1633C>A on transcript NM_000760.4 (MANE Select); coding-DNA position 1633, C replaced by A.
Protein change: p.Leu545Met; replaces leucine 545 with methionine.
Molecular consequence: missense variant.
Genome position (GRCh38, 1-based): chr1:36,468,165, G>T on the plus strand (C>A on the coding strand, the complement: CSF3R is on the minus strand). VCF-style: chr1-36468165-G-T. GRCh37 (hg19) VCF-style: chr1-36933766-G-T.
Other names: c.1633C>A, p.Leu545Met (NM_156039.3, NM_172313.3); short protein forms L545M.
Identifiers: ClinVar variation 1003947 (VCV001003947.8), dbSNP rs760231922, ClinGen allele CA769127.
Genomic context (GRCh38, chr1:36,468,165, plus strand): 5'-AGATGGTGTAGTGGGTAAGGGGGCTCTTCCCCAGCTCAGGGGGCTCAGGCACCCACTCCA[G>T]CTGTGCCCAGGTCTTGCCAATGTGCTTTAGATGCAGCTCTGGGGCATGGGAGGGAGCTAT-3'
Protein context (NP_000751.1, residues 535-555): LKHIGKTWAQ[Leu545Met]EWVPEPPELG

ClinVar aggregate classification (germline): Uncertain significance (1 of 4 stars; one submission).

Conditions:
Autosomal recessive severe congenital neutropenia due to CSF3R deficiency. Also called: Neutropenia, severe congenital, 7, autosomal recessive. Identifiers: Orphanet 420702, MedGen C4310764, MONDO:0014865, OMIM 617014.

Allele frequency attached by ClinVar (database versions not stated): ExAC 0.00001; gnomAD exomes 0.00001; TOPMed 0.00001; gnomAD 0.00002.
gnomAD v4.1: 22 of 1,612,762 alleles (0.0014%); highest among the groups gnomAD compares: Non-Finnish European, 0.0017%; no homozygotes.

Submission:

Labcorp Genetics (formerly Invitae), Labcorp
Classification: Uncertain significance for Autosomal recessive severe congenital neutropenia due to CSF3R deficiency. Last evaluated: 2025-10-27. Review status: criteria provided, single submitter. Criteria: Invitae Variant Classification Sherloc (09022015). Collection method: clinical testing. Allele origin: germline.
Comment: This sequence change replaces leucine, which is neutral and non-polar, with methionine, which is neutral and non-polar, at codon 545 of the CSF3R protein (p.Leu545Met). This variant is present in population databases (rs760231922, gnomAD 0.003%). This variant has not been reported in the literature in individuals affected with CSF3R-related conditions. ClinVar contains an entry for this variant (Variation ID: 1003947). Invitae Evidence Modeling of protein sequence and biophysical properties (such as structural, functional, and spatial information, amino acid conservation, physicochemical variation, residue mobility, and thermodynamic stability) indicates that this missense variant is expected to disrupt CSF3R protein function with a positive predictive value of 80%. In summary, the available evidence is currently insufficient to determine the role of this variant in disease. Therefore, it has been classified as a Variant of Uncertain Significance.